The following is an entry in ClinVar:

NM_024675.4(PALB2):c.1559G>A (p.Cys520Tyr)

Gene: PALB2 (partner and localizer of BRCA2; minus strand). Cytogenetic location: 16p12.2.
Variant type: single nucleotide variant.
Coding change: c.1559G>A on transcript NM_024675.4 (MANE Select); coding-DNA position 1559, G replaced by A.
Protein change: p.Cys520Tyr; replaces cysteine 520 with tyrosine.
Molecular consequence: missense variant.
Genome position (GRCh38, 1-based): chr16:23,634,987, C>T on the plus strand (G>A on the coding strand, the complement: PALB2 is on the minus strand). VCF-style: chr16-23634987-C-T. GRCh37 (hg19) VCF-style: chr16-23646308-C-T.
Other names: short protein forms C520Y.
Identifiers: ClinVar variation 857350 (VCV000857350.13), dbSNP rs1966957419, ClinGen allele CA395130768.

ClinVar aggregate classification (germline): Uncertain significance. Review status: criteria provided, multiple submitters, no conflicts (2 of 4 stars). 2 submissions from 2 submitters: Uncertain significance (2). Last evaluated 2021-08-06.

Conditions:
Hereditary cancer-predisposing syndrome. Also called: Tumor predisposition; Hereditary neoplastic syndrome; Neoplastic Syndromes, Hereditary; Hereditary Cancer Syndrome. Identifiers: Orphanet 140162, MedGen C0027672, MeSH D009386, MONDO:0015356.
Familial cancer of breast. Also called: hereditary breast carcinoma; BREAST CANCER, FAMILIAL; Hereditary breast cancer. Identifiers: Orphanet 227535, MedGen C0346153, MONDO:0016419, OMIM 114480. Disease mechanism: loss of function.

Submissions (2):

Labcorp Genetics (formerly Invitae), Labcorp
Classification: Uncertain significance for Familial cancer of breast. Last evaluated: 2021-08-06. Review status: criteria provided, single submitter. Criteria: Invitae Variant Classification Sherloc (09022015). Collection method: clinical testing. Allele origin: germline.
Comment: This variant is not present in population databases (ExAC no frequency). In summary, the available evidence is currently insufficient to determine the role of this variant in disease. Therefore, it has been classified as a Variant of Uncertain Significance. Algorithms developed to predict the effect of missense changes on protein structure and function (SIFT, PolyPhen-2, Align-GVGD) all suggest that this variant is likely to be tolerated, but these predictions have not been confirmed by published functional studies and their clinical significance is uncertain. This variant has not been reported in the literature in individuals with PALB2-related conditions. This sequence change replaces cysteine with tyrosine at codon 520 of the PALB2 protein (p.Cys520Tyr). The cysteine residue is moderately conserved and there is a large physicochemical difference between cysteine and tyrosine.

Ambry Genetics
Classification: Uncertain significance for Hereditary cancer-predisposing syndrome. Last evaluated: 2019-12-27. Review status: criteria provided, single submitter. Criteria: Ambry Variant Classification Scheme 2023. Collection method: clinical testing. Allele origin: germline.
Comment: The p.C520Y variant (also known as c.1559G>A), located in coding exon 4 of the PALB2 gene, results from a G to A substitution at nucleotide position 1559. The cysteine at codon 520 is replaced by tyrosine, an amino acid with highly dissimilar properties. This amino acid position is not well conserved in available vertebrate species. In addition, this alteration is predicted to be tolerated by in silico analysis. Since supporting evidence is limited at this time, the clinical significance of this alteration remains unclear.